The following is an entry in ClinVar:

ClinVar aggregate classification (germline): Likely benign. Review status: criteria provided, multiple submitters, no conflicts (2 of 4 stars). 2 submissions from 2 submitters: Likely benign (2). Last evaluated 2026-07-14.

Conditions:
BBS9-related disorder. Also called: BBS9-related condition.
Bardet-Biedl syndrome (BBS). Identifiers: Orphanet 110, MedGen C0752166, MONDO:0015229.

gnomAD v4.1: 5 of 1,613,750 alleles (0.00031%); highest among the groups gnomAD compares: African/African-American, 0.004%; no homozygotes.

Submissions (2):

PreventionGenetics, part of Exact Sciences
Classification: Likely benign for BBS9-related condition. Last evaluated: 2026-07-14. Review status: criteria provided, single submitter. Criteria: ACMG Guidelines, 2015. Collection method: clinical testing. Allele origin: germline.
Comment: This variant is classified as likely benign based on ACMG/AMP sequence variant interpretation guidelines (Richards et al. 2015 PMID: 25741868, with internal and published modifications).

Labcorp Genetics (formerly Invitae), Labcorp
Classification: Likely benign for Bardet-Biedl syndrome. Last evaluated: 2026-01-19. Review status: criteria provided, single submitter. Criteria: Invitae Variant Classification Sherloc (09022015). Collection method: clinical testing. Allele origin: germline.

NM_198428.3(BBS9):c.397A>C (p.Arg133=)

Gene: BBS9 (Bardet-Biedl syndrome 9; plus strand). Cytogenetic location: 7p14.3.
Variant type: single nucleotide variant.
Coding change: c.397A>C on transcript NM_198428.3 (MANE Select); coding-DNA position 397, A replaced by C.
Protein change: p.Arg133=; no amino-acid change (arginine 133 retained).
Molecular consequence: synonymous variant. On other transcripts: non-coding transcript variant (3).
Genome position (GRCh38, 1-based): chr7:33,177,546, A>C. VCF-style: chr7-33177546-A-C. GRCh37 (hg19) VCF-style: chr7-33217158-A-C.
Other names: c.397A>C, p.Arg133= (NM_001033604.2, NM_001033605.2, NM_001348036.1 and 7 more transcripts); c.31A>C, p.Arg11= (NM_001348037.3, NM_001348044.3, NM_001348045.3 and 1 more transcripts); c.124A>C, p.Arg42= (NM_001348038.3, NM_001348039.3); c.262A>C, p.Arg88= (NM_001348042.3); c.397A>C (NM_198428.2).
Identifiers: ClinVar variation 1939468 (VCV001939468.6), dbSNP rs759120113, ClinGen allele CA4213979.